The following is an entry in ClinVar:

ClinVar aggregate classification (germline): Benign (0 of 4 stars; one submission).

Conditions:
ERAL1-related disorder. Also called: ERAL1-related condition.

Allele frequency attached by ClinVar (database versions not stated): ESP Exome Variant Server 0.00008; TOPMed 0.00014; gnomAD 0.00058; ExAC 0.00233; 1000 Genomes Project 0.00419; 1000 Genomes Project 30x 0.00484.

Submission:

PreventionGenetics, part of Exact Sciences
Classification: Benign for ERAL1-related condition. Last evaluated: 2019-06-27. Review status: no assertion criteria provided. Collection method: clinical testing. Allele origin: germline.
Comment: This variant is classified as benign based on ACMG/AMP sequence variant interpretation guidelines (Richards et al. 2015 PMID: 25741868, with internal and published modifications).

NM_005702.4(ERAL1):c.412-8C>T

Gene: ERAL1 (Era like 12S mitochondrial rRNA chaperone 1; plus strand). Cytogenetic location: 17q11.2.
Variant type: single nucleotide variant.
Coding change: c.412-8C>T on transcript NM_005702.4 (MANE Select); 8 bases into the intron before coding-DNA position 412, C replaced by T.
Molecular consequence: intron variant.
Genome position (GRCh38, 1-based): chr17:28,856,497, C>T. VCF-style: chr17-28856497-C-T. GRCh37 (hg19) VCF-style: chr17-27183515-C-T.
Other names: c.412-8C>T (NM_001317986.2, NM_001317985.2).
Identifiers: ClinVar variation 3042817 (VCV003042817.2), dbSNP rs376341769, ClinGen allele CA8468554.